The following is an entry in ClinVar:

NM_198834.3(ACACA):c.2958A>G (p.Ala986=)

Gene: ACACA (acetyl-CoA carboxylase alpha; minus strand). Cytogenetic location: 17q12.
Variant type: single nucleotide variant.
Coding change: c.2958A>G on transcript NM_198834.3 (MANE Select); coding-DNA position 2958, A replaced by G.
Protein change: p.Ala986=; no amino-acid change (alanine 986 retained).
Molecular consequence: synonymous variant.
Genome position (GRCh38, 1-based): chr17:37,242,027, T>C on the plus strand (A>G on the coding strand, the complement: ACACA is on the minus strand). VCF-style: chr17-37242027-T-C. GRCh37 (hg19) VCF-style: chr17-35598943-T-C.
Other names: c.2958A>G (NM_198834.2); c.2847A>G, p.Ala949= (NM_198836.3, NM_198839.3); c.2673A>G, p.Ala891= (NM_198837.2); c.2613A>G, p.Ala871= (NM_198838.2).
Identifiers: ClinVar variation 1991748 (VCV001991748.6), dbSNP rs770428631, ClinGen allele CA8515458.

ClinVar aggregate classification (germline): Likely benign. Review status: criteria provided, single submitter (1 of 4 stars). 2 submissions from 2 submitters: Likely benign (1). 1 of the submissions does not count toward it. Last evaluated 2025-09-29.

Conditions:
ACACA-related disorder. Also called: ACACA-related condition.

Allele frequency attached by ClinVar (database versions not stated): gnomAD exomes 0.00003; ExAC 0.00005; gnomAD 0.00005; TOPMed 0.00008.
gnomAD v4.1: 51 of 1,613,694 alleles (0.0032%); highest among the groups gnomAD compares: Admixed American, 0.058%; no homozygotes.

Submissions (2):

Labcorp Genetics (formerly Invitae), Labcorp
Classification: Likely benign. Last evaluated: 2025-09-29. Review status: criteria provided, single submitter. Criteria: Invitae Variant Classification Sherloc (09022015). Collection method: clinical testing. Allele origin: germline.

PreventionGenetics, part of Exact Sciences
Classification: Likely benign for ACACA-related condition. Last evaluated: 2019-05-23. Review status: no assertion criteria provided. Collection method: clinical testing. Allele origin: germline. Not counted in ClinVar's aggregate classification.
Comment: This variant is classified as likely benign based on ACMG/AMP sequence variant interpretation guidelines (Richards et al. 2015 PMID: 25741868, with internal and published modifications).